The following is an entry in ClinVar:

ClinVar aggregate classification (germline): Uncertain significance. Review status: reviewed by expert panel (3 of 4 stars). 2 submissions from 2 submitters: Uncertain significance (1). 1 of the submissions does not count toward it. Last evaluated 2024-05-09.

Conditions:
HNF4A-related disorders.
Monogenic diabetes. Identifiers: Orphanet 183625, MedGen C3888631, MONDO:0015967.

Submissions (2):

ClinGen Monogenic Diabetes Variant Curation Expert Panel
Classification: Uncertain significance for Monogenic diabetes. Last evaluated: 2024-05-09. Review status: reviewed by expert panel. Criteria: ClinGen Diabetes ACMG Specifications HNF4A V2.0.0. Collection method: curation. Allele origin: germline. Inheritance: Autosomal dominant inheritance.
Comment: The c.640T>G variant in the hepatocyte nuclear factor 4-alpha gene, HNF4A, causes an amino acid change of serine to alanine at codon 214 (p.(Ser214Ala)) of NM_175914.5. This variant is located within the ligand-binding domain (codons 180-220) of HNF4A, which is defined as critical for the protein's function by the ClinGen MDEP (PM1_Supporting). This variant is predicted to be deleterious by computational evidence, with a REVEL score of 0.957, which is greater than the MDEP VCEP threshold of 0.70 (PP3). This variant is absent in gnomAD v2.1.1 (PM2_Supporting), and was identified in an individual with a clinical history suggestive of HNF4A-MODY (neonatal hypoglycemia that is responsive to diazoxide or hyperinsulinemic hypoglycemia and negative genetic testing for ABCC8 and KCNJ11) (PP4; internal lab contributor). This variant segregated with diabetes with at least one informative meiosis in a single family; however, this does not meet the thresholds for PP1 set by the ClinGen MDEP (PMID: 27236918, internal lab contributors). Additionally, a number of other missense variants at this codon (c.640T>A, p.Ser214Thr; c.641C>T, p.Ser214Phe; c.641C>A, p.Ser214Tyr) have been classified as a VUS by the ClinGen MDEP; therefore, PM5 will not be applied. In summary, c.640T>C meets the criteria to be classified as a variant of uncertain significance for monogenic diabetes. ACMG/AMP criteria applied, as specified by the ClinGen MDEP (specification version 2.0.0, approved 10/11/2023): PP3, PP4, PM1_Supporting, PM2_Supporting).

Blueprint Genetics
Classification: Likely pathogenic for HNF4A-related disorders. Last evaluated: 2023-07-06. Review status: criteria provided, single submitter. Criteria: ACMG Guidelines, 2015. Collection method: clinical testing. Allele origin: germline. Affected: yes. Observed: 2 variant alleles. Not counted in ClinVar's aggregate classification.

NM_175914.5(HNF4A):c.640T>G (p.Ser214Ala)

Gene: HNF4A (hepatocyte nuclear factor 4 alpha; plus strand). Cytogenetic location: 20q13.12.
Variant type: single nucleotide variant.
Coding change: c.640T>G on transcript NM_175914.5 (MANE Select); coding-DNA position 640, T replaced by G.
Protein change: p.Ser214Ala; replaces serine 214 with alanine.
Molecular consequence: missense variant.
Genome position (GRCh38, 1-based): chr20:44,418,482, T>G. VCF-style: chr20-44418482-T-G. GRCh37 (hg19) VCF-style: chr20-43047122-T-G.
Other names: NM_175914.5:c.640T>G; c.706T>G, p.Ser236Ala (NM_000457.6, NM_178849.3, NM_178850.3); c.640T>G, p.Ser214Ala (NM_001030003.3, NM_001030004.3); c.685T>G, p.Ser229Ala (NM_001258355.2); c.631T>G, p.Ser211Ala (NM_001287182.2, NM_001287183.2, NM_001287184.2); short protein forms S211A, S214A, S229A, S236A.
Identifiers: ClinVar variation 3238972 (VCV003238972.2), dbSNP rs1060499693.